The following is an entry in ClinVar:

ClinVar aggregate classification (germline): Uncertain significance (1 of 4 stars; one submission).

Allele frequency attached by ClinVar (database versions not stated): gnomAD exomes below 0.00001; ExAC 0.00001.
gnomAD v4.1: 2 of 1,613,078 alleles (0.00012%); highest among the groups gnomAD compares: Admixed American, 0.0034%; no homozygotes.

Submission:

Labcorp Genetics (formerly Invitae), Labcorp
Classification: Uncertain significance. Last evaluated: 2025-10-21. Review status: criteria provided, single submitter. Criteria: Invitae Variant Classification Sherloc (09022015). Collection method: clinical testing. Allele origin: germline.
Comment: This sequence change replaces glycine, which is neutral and non-polar, with alanine, which is neutral and non-polar, at codon 333 of the RXYLT1 protein (p.Gly333Ala). This variant is present in population databases (rs748755896, gnomAD 0.006%). This variant has not been reported in the literature in individuals affected with RXYLT1-related conditions. ClinVar contains an entry for this variant (Variation ID: 2173105). Invitae Evidence Modeling of protein sequence and biophysical properties (such as structural, functional, and spatial information, amino acid conservation, physicochemical variation, residue mobility, and thermodynamic stability) has been performed for this missense variant. However, the output from this modeling did not meet the statistical confidence thresholds required to predict the impact of this variant on RXYLT1 protein function. This variant disrupts the p.Gly333 amino acid residue in RXYLT1. Other variant(s) that disrupt this residue have been determined to be pathogenic (PMID: 27130732; internal data). This suggests that this residue is clinically significant, and that variants that disrupt this residue are likely to be disease-causing. In summary, the available evidence is currently insufficient to determine the role of this variant in disease. Therefore, it has been classified as a Variant of Uncertain Significance.

Literature cited by the submitters: PubMed 27130732.

NM_014254.3(RXYLT1):c.998G>C (p.Gly333Ala)

Gene: RXYLT1 (ribitol xylosyltransferase 1; plus strand). Cytogenetic location: 12q14.2.
Variant type: single nucleotide variant.
Coding change: c.998G>C on transcript NM_014254.3 (MANE Select); coding-DNA position 998, G replaced by C.
Protein change: p.Gly333Ala; replaces glycine 333 with alanine.
Molecular consequence: missense variant.
Genome position (GRCh38, 1-based): chr12:63,808,758, G>C. VCF-style: chr12-63808758-G-C. GRCh37 (hg19) VCF-style: chr12-64202538-G-C.
Other names: c.218G>C, p.Gly73Ala (NM_001278237.2); short protein forms G333A, G73A.
Identifiers: ClinVar variation 2173105 (VCV002173105.3), dbSNP rs748755896, ClinGen allele CA6666223.
Genomic context (GRCh38, chr12:63,808,758, plus strand): 5'-AAAGTCTTAAGAATTACCAAGATGCCTTGCTTCAGAGTGATCTCACATTGTGCCCGGTCG[G>C]AGTAAACACAGAATGCTATCGAATCTATGAGGCTTGCTCCTATGGCTCCATTCCTGTGGT-3'
Protein context (NP_055069.1, residues 323-343): LQSDLTLCPV[Gly333Ala]VNTECYRIYE